The following is an entry in ClinVar:

ClinVar aggregate classification (germline): Likely benign (1 of 4 stars; one submission).

Submission:

CeGaT Center for Human Genetics Tuebingen
Classification: Likely benign. Last evaluated: 2026-05-01. Review status: criteria provided, single submitter. Criteria: CeGaT Center For Human Genetics Tuebingen Variant Classification Criteria Version 2. Collection method: clinical testing. Allele origin: germline. Affected: yes. Observed: 1 variant allele.
Comment: NONO: PM2:Supporting, BP4, BP7

NM_007363.5(NONO):c.33G>A (p.Lys11=)

Gene: NONO (non-POU domain containing octamer binding; plus strand). Cytogenetic location: Xq13.1.
Variant type: single nucleotide variant.
Coding change: c.33G>A on transcript NM_007363.5 (MANE Select); coding-DNA position 33, G replaced by A.
Protein change: p.Lys11=; no amino-acid change (lysine 11 retained).
Molecular consequence: synonymous variant. On other transcripts: intron variant (1).
Genome position (GRCh38, 1-based): chrX:71,290,670, G>A. VCF-style: chrX-71290670-G-A. GRCh37 (hg19) VCF-style: chrX-70510520-G-A.
Other names: c.33G>A, p.Lys11= (NM_001145408.2, NM_001145409.2); c.-113-1109G>A (NM_001145410.2).
Identifiers: ClinVar variation 4875256 (VCV004875256.2).